The following is an entry in ClinVar:

ClinVar aggregate classification (germline): Uncertain significance (1 of 4 stars; one submission).

gnomAD v4.1: 2 of 1,613,430 alleles (0.00012%); highest among the groups gnomAD compares: South Asian, 0.0022%; no homozygotes.

Submission:

Women's Health and Genetics/Laboratory Corporation of America, LabCorp
Classification: Uncertain significance. Last evaluated: 2024-11-29. Review status: criteria provided, single submitter. Criteria: LabCorp Variant Classification Summary - May 2015. Collection method: clinical testing. Allele origin: germline.
Comment: Variant summary: MYT1L c.2706-3T>C alters a non-conserved nucleotide located close to a canonical splice site and therefore could affect mRNA splicing, leading to a significantly altered protein sequence. Consensus agreement among computation tools predict no significant impact on normal splicing. However, these predictions have yet to be confirmed by functional studies. The variant was absent in 248758 control chromosomes. The available data on variant occurrences in the general population are insufficient to allow any conclusion about variant significance. To our knowledge, no occurrence of c.2706-3T>C in individuals affected with Mental Retardation, Autosomal Dominant 39 and no experimental evidence demonstrating its impact on protein function have been reported. No submitters have cited clinical-significance assessments for this variant to ClinVar. Based on the evidence outlined above, the variant was classified as uncertain significance.

NM_001303052.2(MYT1L):c.2712-3T>C

Gene: MYT1L (myelin transcription factor 1 like; minus strand). Cytogenetic location: 2p25.3.
Variant type: single nucleotide variant.
Coding change: c.2712-3T>C on transcript NM_001303052.2 (MANE Select); 3 bases into the intron before coding-DNA position 2712, T replaced by C.
Molecular consequence: intron variant.
Genome position (GRCh38, 1-based): chr2:1,851,706, A>G on the plus strand (T>C on the coding strand, the complement: MYT1L is on the minus strand). VCF-style: chr2-1851706-A-G. GRCh37 (hg19) VCF-style: chr2-1855478-A-G.
Other names: c.2706-3T>C (NM_015025.4, NM_001329847.2, NM_001329848.1 and 3 more transcripts); c.2712-3T>C (NM_001329844.2, NM_001329845.1, NM_001329851.3).
Identifiers: ClinVar variation 3629591 (VCV003629591.2).